The following is an entry in ClinVar:

ClinVar aggregate classification (germline): Uncertain significance (1 of 4 stars; one submission).

Conditions:
Inborn genetic diseases. Identifiers: MedGen C0950123, MeSH D030342.

Allele frequency attached by ClinVar (database versions not stated): gnomAD exomes 0.00001.
gnomAD v4.1: 7 of 1,531,438 alleles (0.00046%); highest among the groups gnomAD compares: Non-Finnish European, 0.00061%; no homozygotes.

Submission:

Ambry Genetics
Classification: Uncertain significance for Inborn genetic diseases. Last evaluated: 2017-12-19. Review status: criteria provided, single submitter. Criteria: Ambry Variant Classification Scheme 2023. Collection method: clinical testing. Allele origin: germline.
Comment: The p.S21C variant (also known as c.62C>G), located in coding exon 1 of the ARID1B gene, results from a C to G substitution at nucleotide position 62. The serine at codon 21 is replaced by cysteine, an amino acid with dissimilar properties. This amino acid position is highly conserved in available vertebrate species. In addition, this alteration is predicted to be tolerated by SIFT in silico analysis. Since supporting evidence is limited at this time, the clinical significance of this alteration remains unclear.

NM_001374828.1(ARID1B):c.311C>G (p.Ser104Cys)

Genes: ARID1B (AT-rich interaction domain 1B; plus strand), LOC115308161 (uncharacterized LOC115308161; minus strand), LOC129997523 (ATAC-STARR-seq lymphoblastoid silent region 17710; plus strand). Cytogenetic location: 6q25.3.
Variant type: single nucleotide variant.
Coding change: c.311C>G on transcript NM_001374828.1 (MANE Select); coding-DNA position 311, C replaced by G.
Protein change: p.Ser104Cys; replaces serine 104 with cysteine.
Molecular consequence: missense variant.
Genome position (GRCh38, 1-based): chr6:156,777,991, C>G. VCF-style: chr6-156777991-C-G. GRCh37 (hg19) VCF-style: chr6-157099125-C-G.
Other names: c.62C>G, p.Ser21Cys (NM_001346813.1, NM_020732.3); c.311C>G, p.Ser104Cys (NM_001371656.1, NM_001374820.1, NM_017519.3); c.-113C>G (NM_175863.2); short protein forms S21C, S104C.
Identifiers: ClinVar variation 1752710 (VCV001752710.2), dbSNP rs1319766536, ClinGen allele CA366381059.
Genomic context (GRCh38, chr6:156,777,991, plus strand): 5'-TGGCCCATAACGCGGGCGCCGCGGCCGCCGCCGGCACCCACAGCGCCAAGAGCGGCGGCT[C>G]CGAGGCGGCTCTCAAGGAGGGTGGAAGCGCCGCCGCGCTGTCCTCCTCCTCCTCCTCCTC-3'
Protein context (NP_001361757.1, residues 94-114): AGTHSAKSGG[Ser104Cys]EAALKEGGSA